The following is an entry in ClinVar:

ClinVar aggregate classification (germline): Uncertain significance (1 of 4 stars; one submission).

Allele frequency attached by ClinVar (database versions not stated): gnomAD exomes below 0.00001.
gnomAD v4.1: 2 of 1,550,810 alleles (0.00013%); highest among the groups gnomAD compares: South Asian, 0.0012%; no homozygotes.

Submission:

Labcorp Genetics (formerly Invitae), Labcorp
Classification: Uncertain significance. Last evaluated: 2022-04-08. Review status: criteria provided, single submitter. Criteria: Invitae Variant Classification Sherloc (09022015). Collection method: clinical testing. Allele origin: germline.
Comment: This sequence change replaces proline, which is neutral and non-polar, with alanine, which is neutral and non-polar, at codon 700 of the EYS protein (p.Pro700Ala). This variant is not present in population databases (gnomAD no frequency). This variant has not been reported in the literature in individuals affected with EYS-related conditions. Algorithms developed to predict the effect of missense changes on protein structure and function output the following: SIFT: "Tolerated"; PolyPhen-2: "Benign"; Align-GVGD: "Class C0". The alanine amino acid residue is found in multiple mammalian species, which suggests that this missense change does not adversely affect protein function. In summary, the available evidence is currently insufficient to determine the role of this variant in disease. Therefore, it has been classified as a Variant of Uncertain Significance.

NM_001142800.2(EYS):c.2098C>G (p.Pro700Ala)

Gene: EYS (eyes shut homolog; minus strand). Cytogenetic location: 6q12.
Variant type: single nucleotide variant.
Coding change: c.2098C>G on transcript NM_001142800.2 (MANE Select); coding-DNA position 2098, C replaced by G.
Protein change: p.Pro700Ala; replaces proline 700 with alanine.
Molecular consequence: missense variant.
Genome position (GRCh38, 1-based): chr6:65,057,653, G>C on the plus strand (C>G on the coding strand, the complement: EYS is on the minus strand). VCF-style: chr6-65057653-G-C. GRCh37 (hg19) VCF-style: chr6-65767546-G-C.
Other names: c.2098C>G, p.Pro700Ala (NM_001292009.2); short protein forms P700A.
Identifiers: ClinVar variation 2170203 (VCV002170203.1), dbSNP rs2533709442, ClinGen allele CA364787576.